The following is an entry in ClinVar:

ClinVar aggregate classification (germline): Likely benign. Review status: criteria provided, single submitter (1 of 4 stars). 2 submissions from 2 submitters: Likely benign (1). 1 of the submissions does not count toward it. Last evaluated 2024-03-12.

Conditions:
ITGB4-related disorder. Also called: ITGB4-related condition.

Allele frequency attached by ClinVar (database versions not stated): gnomAD exomes 0.00003; ExAC 0.00009; gnomAD 0.00026; TOPMed 0.00031; ESP Exome Variant Server 0.00046.
gnomAD v4.1: 87 of 1,613,704 alleles (0.0054%); highest among the groups gnomAD compares: African/African-American, 0.1%; no homozygotes.

Submissions (2):

Labcorp Genetics (formerly Invitae), Labcorp
Classification: Likely benign. Last evaluated: 2024-03-12. Review status: criteria provided, single submitter. Criteria: Invitae Variant Classification Sherloc (09022015). Collection method: clinical testing. Allele origin: germline.

PreventionGenetics, part of Exact Sciences
Classification: Likely benign for ITGB4-related condition. Last evaluated: 2024-09-26. Review status: no assertion criteria provided. Collection method: clinical testing. Allele origin: germline. Not counted in ClinVar's aggregate classification.
Comment: This variant is classified as likely benign based on ACMG/AMP sequence variant interpretation guidelines (Richards et al. 2015 PMID: 25741868, with internal and published modifications).

NM_000213.5(ITGB4):c.2898C>T (p.Asp966=)

Gene: ITGB4 (integrin subunit beta 4; plus strand). Cytogenetic location: 17q25.1.
Variant type: single nucleotide variant.
Coding change: c.2898C>T on transcript NM_000213.5 (MANE Select); coding-DNA position 2898, C replaced by T.
Protein change: p.Asp966=; no amino-acid change (aspartic acid 966 retained).
Molecular consequence: synonymous variant.
Genome position (GRCh38, 1-based): chr17:75,742,697, C>T. VCF-style: chr17-75742697-C-T. GRCh37 (hg19) VCF-style: chr17-73738778-C-T.
Other names: c.2898C>T, p.Asp966= (NM_001005619.2, NM_001005731.3, NM_001321123.2).
Identifiers: ClinVar variation 2886621 (VCV002886621.4), dbSNP rs138945206, ClinGen allele CA8769613.